The following is an entry in ClinVar:

ClinVar aggregate classification (germline): Uncertain significance (1 of 4 stars; one submission).

Conditions:
Hereditary cancer-predisposing syndrome. Also called: Tumor predisposition; Hereditary Cancer Syndrome; Hereditary neoplastic syndrome; Neoplastic Syndromes, Hereditary. Identifiers: Orphanet 140162, MedGen C0027672, MeSH D009386, MONDO:0015356.

Submission:

Ambry Genetics
Classification: Uncertain significance for Hereditary cancer-predisposing syndrome. Last evaluated: 2023-07-30. Review status: criteria provided, single submitter. Criteria: Ambry Variant Classification Scheme 2023. Collection method: clinical testing. Allele origin: germline.
Comment: The p.R133G variant (also known as c.397C>G), located in coding exon 3 of the RET gene, results from a C to G substitution at nucleotide position 397. The arginine at codon 133 is replaced by glycine, an amino acid with dissimilar properties. This amino acid position is conserved. In addition, this alteration is predicted to be tolerated by in silico analysis. Since supporting evidence is limited at this time, the clinical significance of this alteration remains unclear.

NM_020975.6(RET):c.397C>G (p.Arg133Gly)

Gene: RET (ret proto-oncogene; plus strand). Cytogenetic location: 10q11.21.
Variant type: single nucleotide variant.
Coding change: c.397C>G on transcript NM_020975.6 (MANE Select); coding-DNA position 397, C replaced by G.
Protein change: p.Arg133Gly; replaces arginine 133 with glycine.
Molecular consequence: missense variant. On other transcripts: intron variant (22).
Genome position (GRCh38, 1-based): chr10:43,102,401, C>G. VCF-style: chr10-43102401-C-G. GRCh37 (hg19) VCF-style: chr10-43597849-C-G.
Other names: c.397C>G, p.Arg133Gly (NM_000323.2, NM_001406743.1, NM_001406744.1 and 16 more transcripts); c.338-70C>G (NM_001406764.1, NM_001406762.1, NM_001406761.1 and 4 more transcripts); c.337+1679C>G (NM_001406770.1, NM_001406766.1, NM_001406767.1 and 8 more transcripts); c.74-6630C>G (NM_001406784.1); c.74-9698C>G (NM_001406794.1, NM_001406792.1, NM_001406793.1); short protein forms R133G.
Identifiers: ClinVar variation 2587886 (VCV002587886.2), dbSNP rs1564490056, ClinGen allele CA376770735.
Genomic context (GRCh38, chr10:43,102,401, plus strand): 5'-GACCGCGGCTTTCCCCTGCTCACCGTCTACCTCAAGGTCTTCCTGTCACCCACATCCCTT[C>G]GTGAGGGCGAGTGCCAGTGGCCAGGCTGTGCCCGCGTATACTTCTCCTTCTTCAACACCT-3'
Protein context (NP_066124.1, residues 123-143): LKVFLSPTSL[Arg133Gly]EGECQWPGCA